The following is an entry in ClinVar:

ClinVar aggregate classification (germline): Uncertain significance. Review status: criteria provided, multiple submitters, no conflicts (2 of 4 stars). 3 submissions from 3 submitters: Uncertain significance (3). Last evaluated 2025-03-11.

Conditions:
LAMA2-related muscular dystrophy (LAMA2-RD). Also called: Laminin alpha 2-related dystrophy. Identifiers: MedGen C5679788, MONDO:0100228.

Allele frequency attached by ClinVar (database versions not stated): gnomAD 0.00002 and 0.00003; gnomAD exomes 0.00002 and 0.00004; TOPMed 0.00003.
gnomAD v4.1: 63 of 1,612,208 alleles (0.0039%); highest among the groups gnomAD compares: East Asian, 0.0045%; no homozygotes.

Submissions (3):

GeneDx
Classification: Uncertain significance. Last evaluated: 2025-03-11. Review status: criteria provided, single submitter. Criteria: GeneDx Variant Classification Process June 2021. Collection method: clinical testing. Allele origin: germline. Affected: yes.
Comment: Not observed at significant frequency in large population cohorts (gnomAD); In silico analysis supports that this missense variant has a deleterious effect on protein structure/function; Has not been previously published as pathogenic or benign to our knowledge

Labcorp Genetics (formerly Invitae), Labcorp
Classification: Uncertain significance for LAMA2-related muscular dystrophy. Last evaluated: 2022-02-10. Review status: criteria provided, single submitter. Criteria: Invitae Variant Classification Sherloc (09022015). Collection method: clinical testing. Allele origin: germline.
Comment: This sequence change replaces leucine, which is neutral and non-polar, with phenylalanine, which is neutral and non-polar, at codon 2509 of the LAMA2 protein (p.Leu2509Phe). This variant is present in population databases (no rsID available, gnomAD 0.01%). This variant has not been reported in the literature in individuals affected with LAMA2-related conditions. ClinVar contains an entry for this variant (Variation ID: 967322). Advanced modeling of protein sequence and biophysical properties (such as structural, functional, and spatial information, amino acid conservation, physicochemical variation, residue mobility, and thermodynamic stability) performed at Invitae indicates that this missense variant is not expected to disrupt LAMA2 protein function. In summary, the available evidence is currently insufficient to determine the role of this variant in disease. Therefore, it has been classified as a Variant of Uncertain Significance.

Revvity Omics, Revvity
Classification: Uncertain significance. Last evaluated: 2020-03-27. Review status: criteria provided, single submitter. Criteria: ACMG Guidelines, 2015. Collection method: clinical testing. Allele origin: germline.

NM_000426.4(LAMA2):c.7525C>T (p.Leu2509Phe)

Gene: LAMA2 (laminin subunit alpha 2; plus strand). Cytogenetic location: 6q22.33.
Variant type: single nucleotide variant.
Coding change: c.7525C>T on transcript NM_000426.4 (MANE Select); coding-DNA position 7525, C replaced by T.
Protein change: p.Leu2509Phe; replaces leucine 2509 with phenylalanine.
Molecular consequence: missense variant.
Genome position (GRCh38, 1-based): chr6:129,478,766, C>T. VCF-style: chr6-129478766-C-T. GRCh37 (hg19) VCF-style: chr6-129799911-C-T.
Other names: c.7513C>T, p.Leu2505Phe (NM_001079823.2); short protein forms L2505F, L2509F.
Identifiers: ClinVar variation 967322 (VCV000967322.7), dbSNP rs1028858920, ClinGen allele CA146903441.